The following is an entry in ClinVar:

ClinVar aggregate classification (germline): Likely benign (1 of 4 stars; one submission).

Allele frequency attached by ClinVar (database versions not stated): gnomAD 0.00003; TOPMed 0.00007; ExAC 0.00022.
gnomAD v4.1: 88 of 1,589,390 alleles (0.0055%); highest among the groups gnomAD compares: Middle Eastern, 0.05%; no homozygotes.

Submission:

CeGaT Center for Human Genetics Tuebingen
Classification: Likely benign. Last evaluated: 2026-09-01. Review status: criteria provided, single submitter. Criteria: CeGaT Center For Human Genetics Tuebingen Variant Classification Criteria Version 2. Collection method: clinical testing. Allele origin: germline. Affected: yes. Observed: 2 variant alleles.
Comment: INTS1: BP4, BP7

NM_001080453.3(INTS1):c.2232C>T (p.Val744=)

Gene: INTS1 (integrator complex subunit 1; minus strand). Cytogenetic location: 7p22.3.
Variant type: single nucleotide variant.
Coding change: c.2232C>T on transcript NM_001080453.3 (MANE Select); coding-DNA position 2232, C replaced by T.
Protein change: p.Val744=; no amino-acid change (valine 744 retained).
Molecular consequence: synonymous variant.
Genome position (GRCh38, 1-based): chr7:1,489,616, G>A on the plus strand (C>T on the coding strand, the complement: INTS1 is on the minus strand). VCF-style: chr7-1489616-G-A. GRCh37 (hg19) VCF-style: chr7-1529252-G-A.
Identifiers: ClinVar variation 3025871 (VCV003025871.22), dbSNP rs372134913, ClinGen allele CA4119945.